The following is an entry in ClinVar:

NM_025114.4(CEP290):c.496-6C>T

Gene: CEP290 (centrosomal protein 290; minus strand). Cytogenetic location: 12q21.32.
Variant type: single nucleotide variant.
Coding change: c.496-6C>T on transcript NM_025114.4 (MANE Select); 6 bases into the intron before coding-DNA position 496, C replaced by T.
Molecular consequence: intron variant.
Genome position (GRCh38, 1-based): chr12:88,130,571, G>A on the plus strand (C>T on the coding strand, the complement: CEP290 is on the minus strand). VCF-style: chr12-88130571-G-A. GRCh37 (hg19) VCF-style: chr12-88524348-G-A.
Other names: c.496-6C>T (NM_025114.3).
Identifiers: ClinVar variation 1129768 (VCV001129768.12), dbSNP rs776649058, ClinGen allele CA6712771.

ClinVar aggregate classification (germline): Conflicting classifications of pathogenicity. Review status: criteria provided, conflicting classifications (1 of 4 stars). 3 submissions from 3 submitters: Uncertain significance (1); Likely benign (1). 1 of the submissions does not count toward it. Last evaluated 2026-02-04.

Conditions:
CEP290-related disorder. Also called: CEP290-related disorders; CEP290-related condition. Identifiers: MedGen CN239314.
Meckel-Gruber syndrome. Also called: DYSENCEPHALIA SPLANCHNOCYSTICA; GRUBER SYNDROME; Dysencephalia splachnocystica. Identifiers: Orphanet 564, MedGen C0265215, MONDO:0018921.
Nephronophthisis. Also called: Juvenile Nephronophthisis. Identifiers: Orphanet 655, MedGen C0687120, MONDO:0019005, HP:0000090.
Joubert syndrome. Also called: Familial aplasia of the vermis; JOUBERT-BOLTSHAUSER SYNDROME. Identifiers: Orphanet 475, MedGen C5979921, MONDO:0018772.

Allele frequency attached by ClinVar (database versions not stated): gnomAD 0.00001 and 0.00002; gnomAD exomes 0.00002 and 0.00003; TOPMed 0.00002; ExAC 0.00005.
gnomAD v4.1: 36 of 1,570,600 alleles (0.0023%); highest among the groups gnomAD compares: East Asian, 0.069%; no homozygotes.

Submissions (3):

Labcorp Genetics (formerly Invitae), Labcorp
Classification: Likely benign for Joubert syndrome; Meckel-Gruber syndrome; Nephronophthisis. Last evaluated: 2026-02-04. Review status: criteria provided, single submitter. Criteria: Invitae Variant Classification Sherloc (09022015). Collection method: clinical testing. Allele origin: germline.

Blueprint Genetics
Classification: Uncertain significance. Last evaluated: 2024-10-31. Review status: criteria provided, single submitter. Criteria: ACMG Guidelines, 2015. Collection method: clinical testing. Allele origin: germline.

PreventionGenetics, part of Exact Sciences
Classification: Likely benign for CEP290-related condition. Last evaluated: 2021-05-19. Review status: no assertion criteria provided. Collection method: clinical testing. Allele origin: germline. Not counted in ClinVar's aggregate classification.
Comment: This variant is classified as likely benign based on ACMG/AMP sequence variant interpretation guidelines (Richards et al. 2015 PMID: 25741868, with internal and published modifications).